The following is an entry in ClinVar:

NM_001430.5(EPAS1):c.1699A>G (p.Met567Val)

Gene: EPAS1 (endothelial PAS domain protein 1; plus strand). Cytogenetic location: 2p21.
Variant type: single nucleotide variant.
Coding change: c.1699A>G on transcript NM_001430.5 (MANE Select); coding-DNA position 1699, A replaced by G.
Protein change: p.Met567Val; replaces methionine 567 with valine.
Molecular consequence: missense variant.
Genome position (GRCh38, 1-based): chr2:46,380,371, A>G. VCF-style: chr2-46380371-A-G. GRCh37 (hg19) VCF-style: chr2-46607510-A-G.
Other names: short protein forms M567V.
Identifiers: ClinVar variation 1778286 (VCV001778286.2), dbSNP rs2546476994, ClinGen allele CA346704695.
Genomic context (GRCh38, chr2:46,380,371, plus strand): 5'-CCCGAGGAGCGGCTCTTGGCGGAGAACCCACAGTCCACCCCCCAGCACTGCTTCAGTGCC[A>G]TGACAAACATCTTCCAGCCACTGGCCCCTGTAGCCCCGCACAGTCCCTTCCTCCTGGACA-3'
Protein context (NP_001421.2, residues 557-577): QSTPQHCFSA[Met567Val]TNIFQPLAPV

ClinVar aggregate classification (germline): Uncertain significance (1 of 4 stars; one submission).

Conditions:
Inborn genetic diseases. Identifiers: MedGen C0950123, MeSH D030342.

Allele frequency attached by ClinVar (database versions not stated): gnomAD exomes below 0.00001.
gnomAD v4.1: 1 of 1,614,138 alleles (0.000062%); no homozygotes.

Submission:

Ambry Genetics
Classification: Uncertain significance for Inborn genetic diseases. Last evaluated: 2021-09-06. Review status: criteria provided, single submitter. Criteria: Ambry Variant Classification Scheme 2023. Collection method: clinical testing. Allele origin: germline.
Comment: The p.M567V variant (also known as c.1699A>G), located in coding exon 12 of the EPAS1 gene, results from an A to G substitution at nucleotide position 1699. The methionine at codon 567 is replaced by valine, an amino acid with highly similar properties. This amino acid position is conserved. In addition, this alteration is predicted to be tolerated by in silico analysis. Since supporting evidence is limited at this time, the clinical significance of this alteration remains unclear.